The following is an entry in ClinVar:

ClinVar aggregate classification (germline): Benign. Review status: criteria provided, multiple submitters, no conflicts (2 of 4 stars). 3 submissions from 3 submitters: Benign (2). 1 of the submissions does not count toward it. Last evaluated 2025-12-25.

Conditions:
PLEKHG2-related disorder. Also called: PLEKHG2-related condition.

Allele frequency attached by ClinVar (database versions not stated): ESP Exome Variant Server 0.00461; gnomAD exomes 0.00034 and 0.00082; ExAC 0.00101; 1000 Genomes Project 0.00280; 1000 Genomes Project 30x 0.00312; gnomAD 0.00333 and 0.00353; TOPMed 0.00400.

Submissions (3):

Labcorp Genetics (formerly Invitae), Labcorp
Classification: Benign. Last evaluated: 2025-12-25. Review status: criteria provided, single submitter. Criteria: Invitae Variant Classification Sherloc (09022015). Collection method: clinical testing. Allele origin: germline.

Breakthrough Genomics
Classification: Benign. Review status: criteria provided, single submitter. Criteria: ACMG Guidelines, 2015. Collection method: not provided. Allele origin: germline. Inheritance: Autosomal recessive inheritance. Affected: yes.

PreventionGenetics, part of Exact Sciences
Classification: Benign for PLEKHG2-related condition. Last evaluated: 2020-01-02. Review status: no assertion criteria provided. Collection method: clinical testing. Allele origin: germline. Not counted in ClinVar's aggregate classification.
Comment: This variant is classified as benign based on ACMG/AMP sequence variant interpretation guidelines (Richards et al. 2015 PMID: 25741868, with internal and published modifications).

NM_022835.3(PLEKHG2):c.2669C>T (p.Ser890Phe)

Gene: PLEKHG2 (pleckstrin homology and RhoGEF domain containing G2; plus strand). Cytogenetic location: 19q13.2.
Variant type: single nucleotide variant.
Coding change: c.2669C>T on transcript NM_022835.3 (MANE Select); coding-DNA position 2669, C replaced by T.
Protein change: p.Ser890Phe; replaces serine 890 with phenylalanine.
Molecular consequence: missense variant. On other transcripts: intron variant (1).
Genome position (GRCh38, 1-based): chr19:39,423,802, C>T. VCF-style: chr19-39423802-C-T. GRCh37 (hg19) VCF-style: chr19-39914442-C-T.
Other names: c.2492C>T, p.Ser831Phe (NM_001351693.2); c.1678-1436C>T (NM_001351694.2); short protein forms S831F, S890F.
Identifiers: ClinVar variation 777475 (VCV000777475.13), dbSNP rs34762911, ClinGen allele CA9429842.
Genomic context (GRCh38, chr19:39,423,802, plus strand): 5'-CTGCCTTTGGACACGTGCTGGTATGTGAGCTGGCCTTCCCACTGACATGTGCCCAGGAGT[C>T]TGTCCCCCTGGGTCCTGCTGTCTGGGTTCAAGCTGCCATACCTTTGTCAAAGCAGGGAGG-3'
Protein context (NP_073746.2, residues 880-900): LAFPLTCAQE[Ser890Phe]VPLGPAVWVQ